The following is an entry in ClinVar:

ClinVar aggregate classification (germline): Uncertain significance. Review status: criteria provided, multiple submitters, no conflicts (2 of 4 stars). 2 submissions from 2 submitters: Uncertain significance (2). Last evaluated 2025-03-26.

Conditions:
Inborn genetic diseases. Identifiers: MedGen C0950123, MeSH D030342.

Allele frequency attached by ClinVar (database versions not stated): gnomAD 0.00001; gnomAD exomes 0.00001; ExAC 0.00002.
gnomAD v4.1: 13 of 1,209,320 alleles (0.0011%); highest among the groups gnomAD compares: African/African-American, 0.0018%; no homozygotes.

Submissions (2):

Labcorp Genetics (formerly Invitae), Labcorp
Classification: Uncertain significance. Last evaluated: 2025-03-26. Review status: criteria provided, single submitter. Criteria: Invitae Variant Classification Sherloc (09022015). Collection method: clinical testing. Allele origin: germline.
Comment: This sequence change replaces aspartic acid, which is acidic and polar, with asparagine, which is neutral and polar, at codon 652 of the FRMD7 protein (p.Asp652Asn). This variant is present in population databases (rs766061063, gnomAD 0.008%), including at least one homozygous and/or hemizygous individual. This variant has not been reported in the literature in individuals affected with FRMD7-related conditions. ClinVar contains an entry for this variant (Variation ID: 1931892). An algorithm developed to predict the effect of missense changes on protein structure and function (PolyPhen-2) suggests that this variant is likely to be disruptive. In summary, the available evidence is currently insufficient to determine the role of this variant in disease. Therefore, it has been classified as a Variant of Uncertain Significance.

Ambry Genetics
Classification: Uncertain significance for Inborn genetic diseases. Last evaluated: 2024-01-23. Review status: criteria provided, single submitter. Criteria: Ambry Variant Classification Scheme 2023. Collection method: clinical testing. Allele origin: germline.

NM_194277.3(FRMD7):c.1954G>A (p.Asp652Asn)

Gene: FRMD7 (FERM domain containing 7; minus strand). Cytogenetic location: Xq26.2.
Variant type: single nucleotide variant.
Coding change: c.1954G>A on transcript NM_194277.3 (MANE Select); coding-DNA position 1954, G replaced by A.
Protein change: p.Asp652Asn; replaces aspartic acid 652 with asparagine.
Molecular consequence: missense variant.
Genome position (GRCh38, 1-based): chrX:132,078,063, C>T on the plus strand (G>A on the coding strand, the complement: FRMD7 is on the minus strand). VCF-style: chrX-132078063-C-T. GRCh37 (hg19) VCF-style: chrX-131212091-C-T.
Other names: c.1909G>A, p.Asp637Asn (NM_001306193.2); short protein forms D637N, D652N.
Identifiers: ClinVar variation 1931892 (VCV001931892.6), dbSNP rs766061063, ClinGen allele CA10518801.
Genomic context (GRCh38, chrX:132,078,063, plus strand): 5'-ACCTTATTTCTTTGCCATACAAAGCATAGTAGTCTGGTTTAAGAATCTCTGATTCAGAAT[C>T]ACTGGATTCACTAGCTACATACCTTTCTGCTGTACTTTGATCCATTAGAACTGCTGGCAA-3'
Protein context (NP_919253.1, residues 642-662): AERYVASESS[Asp652Asn]SESEILKPDY